The following is an entry in ClinVar:

NM_005732.4(RAD50):c.2981_2982del (p.Lys994fs)

Gene: RAD50 (RAD50 double strand break repair protein; plus strand). Cytogenetic location: 5q31.1.
Variant type: Deletion.
Coding change: c.2981_2982del on transcript NM_005732.4 (MANE Select); coding-DNA positions 2981 to 2982, 2 bases deleted (AA; older notation c.2981_2982delAA).
Protein change: p.Lys994fs; shifts the reading frame from lysine 994.
Molecular consequence: frameshift variant.
Genome position (GRCh38, 1-based): chr5:132,609,341-132,609,342, AA deleted; deleting any 2 consecutive bases within chr5:132,609,340-132,609,342 gives the same sequence; the c. name uses the placement nearest the transcript's 3' end. VCF-style (leftmost placement, unchanged base first): chr5-132609339-CAA-C. GRCh37 (hg19) VCF-style: chr5-131945031-CAA-C.
Other names: short protein forms K994fs.
Identifiers: ClinVar variation 583363 (VCV000583363.11), dbSNP rs1561647559, ClinGen allele CA891842970.
Genomic context (GRCh38, chr5:132,609,339, plus strand): 5'-GTAGCAAAAAGAAACTGAACTTAATAAAGTAATAGCTCAACTAAGTGAATGCGAGAAACA[CAA>C]AGAAAAGATAAATGAAGATATGAGACTCATGAGACAAGATATTGATACACAGAAGGTAGG-3'

ClinVar aggregate classification (germline): Pathogenic. Review status: criteria provided, multiple submitters, no conflicts (2 of 4 stars). 2 submissions from 2 submitters: Pathogenic (2). Last evaluated 2021-10-09.

Conditions:
Hereditary cancer-predisposing syndrome. Also called: Neoplastic Syndromes, Hereditary; Hereditary Cancer Syndrome; Tumor predisposition; Hereditary neoplastic syndrome. Identifiers: Orphanet 140162, MedGen C0027672, MeSH D009386, MONDO:0015356.

Submissions (2):

Labcorp Genetics (formerly Invitae), Labcorp
Classification: Pathogenic for Hereditary cancer-predisposing syndrome. Last evaluated: 2021-10-09. Review status: criteria provided, single submitter. Criteria: Invitae Variant Classification Sherloc (09022015). Collection method: clinical testing. Allele origin: germline.
Comment: For these reasons, this variant has been classified as Pathogenic. Loss-of-function variants in RAD50 are known to be pathogenic (PMID: 16385572, 19409520). This variant has not been reported in the literature in individuals with RAD50-related conditions. ClinVar contains an entry for this variant (Variation ID: 583363). This variant is not present in population databases (ExAC no frequency). This sequence change creates a premature translational stop signal (p.Lys994Argfs*5) in the RAD50 gene. It is expected to result in an absent or disrupted protein product.

Ambry Genetics
Classification: Pathogenic for Hereditary cancer-predisposing syndrome. Last evaluated: 2019-08-11. Review status: criteria provided, single submitter. Criteria: Ambry Variant Classification Scheme 2023. Collection method: clinical testing. Allele origin: germline.
Comment: The c.2981_2982delAA pathogenic mutation, located in coding exon 19 of the RAD50 gene, results from a deletion of two nucleotides at nucleotide positions 2981 to 2982, causing a translational frameshift with a predicted alternate stop codon (p.K994Rfs*5). This mutation has been detected in a patient diagnosed with breast cancer and melanoma (Bradbury et al. JCO Precis Oncol 2018 2:1-24). In addition to the clinical data presented in the literature, this alteration is expected to result in loss of function by premature protein truncation or nonsense-mediated mRNA decay. As such, this alteration is interpreted as a disease-causing mutation.

Literature cited by the submitters: PubMed 16385572 (cited by Labcorp Genetics (formerly Invitae), Labcorp); PubMed 19409520 (cited by Labcorp Genetics (formerly Invitae), Labcorp).